The following is an entry in ClinVar:

ClinVar aggregate classification (germline): Uncertain significance. Review status: criteria provided, multiple submitters, no conflicts (2 of 4 stars). 2 submissions from 2 submitters: Uncertain significance (2). Last evaluated 2025-08-29.

Conditions:
Inborn genetic diseases. Identifiers: MedGen C0950123, MeSH D030342.

Allele frequency attached by ClinVar (database versions not stated): gnomAD 0.00006; 1000 Genomes Project 0.00020.
gnomAD v4.1: 37 of 1,150,064 alleles (0.0032%); highest among the groups gnomAD compares: East Asian, 0.12%; no homozygotes.

Submissions (2):

Ambry Genetics
Classification: Uncertain significance for Inborn genetic diseases. Last evaluated: 2025-08-29. Review status: criteria provided, single submitter. Criteria: Ambry Variant Classification Scheme 2023. Collection method: clinical testing. Allele origin: germline.

Labcorp Genetics (formerly Invitae), Labcorp
Classification: Uncertain significance. Last evaluated: 2022-03-01. Review status: criteria provided, single submitter. Criteria: Invitae Variant Classification Sherloc (09022015). Collection method: clinical testing. Allele origin: germline.
Comment: This sequence change replaces arginine, which is basic and polar, with tryptophan, which is neutral and slightly polar, at codon 1894 of the DOCK6 protein (p.Arg1894Trp). This variant is present in population databases (rs539660006, gnomAD 0.06%). This variant has not been reported in the literature in individuals affected with DOCK6-related conditions. Algorithms developed to predict the effect of missense changes on protein structure and function are either unavailable or do not agree on the potential impact of this missense change (SIFT: "Deleterious"; PolyPhen-2: "Probably Damaging"; Align-GVGD: "Class C0"). In summary, the available evidence is currently insufficient to determine the role of this variant in disease. Therefore, it has been classified as a Variant of Uncertain Significance.

NM_020812.4(DOCK6):c.5680C>T (p.Arg1894Trp)

Gene: DOCK6 (dedicator of cytokinesis 6; minus strand). Cytogenetic location: 19p13.2.
Variant type: single nucleotide variant.
Coding change: c.5680C>T on transcript NM_020812.4 (MANE Select); coding-DNA position 5680, C replaced by T.
Protein change: p.Arg1894Trp; replaces arginine 1894 with tryptophan.
Molecular consequence: missense variant.
Genome position (GRCh38, 1-based): chr19:11,201,897, G>A on the plus strand (C>T on the coding strand, the complement: DOCK6 is on the minus strand). VCF-style: chr19-11201897-G-A. GRCh37 (hg19) VCF-style: chr19-11312573-G-A.
Other names: c.5680C>T (NM_020812.2); c.5785C>T, p.Arg1929Trp (NM_001367830.1); short protein forms R1894W, R1929W.
Identifiers: ClinVar variation 2163213 (VCV002163213.2), dbSNP rs539660006, ClinGen allele CA9206388.
Genomic context (GRCh38, chr19:11,201,897, plus strand): 5'-TCTGATGTCCCCTCACCTCCCCACCCCCGCCAGGCCCAGGATCCCCACCCACCTCCTCCC[G>A]GTGGCACACACGGATGCGAGTCTTGATGTAGGGGAAGGCGTGGTCGGTGCTGAGCAGCGT-3'
Protein context (NP_065863.2, residues 1884-1904): YIKTRIRVCH[Arg1894Trp]EETVLTPVEV